The following is an entry in ClinVar:

ClinVar aggregate classification (germline): Uncertain significance (1 of 4 stars; one submission).

Submission:

GeneDx
Classification: Uncertain significance. Last evaluated: 2024-09-27. Review status: criteria provided, single submitter. Criteria: GeneDx Variant Classification Process June 2021. Collection method: clinical testing. Allele origin: germline. Affected: yes.
Comment: Not observed at significant frequency in large population cohorts (gnomAD); In silico analysis supports that this missense variant has a deleterious effect on protein structure/function; Has not been previously published as pathogenic or benign to our knowledge

NM_032217.5(ANKRD17):c.5376G>T (p.Leu1792Phe)

Gene: ANKRD17 (ankyrin repeat domain 17; minus strand). Cytogenetic location: 4q13.3.
Variant type: single nucleotide variant.
Coding change: c.5376G>T on transcript NM_032217.5 (MANE Select); coding-DNA position 5376, G replaced by T.
Protein change: p.Leu1792Phe; replaces leucine 1792 with phenylalanine.
Molecular consequence: missense variant.
Genome position (GRCh38, 1-based): chr4:73,092,252, C>A on the plus strand (G>T on the coding strand, the complement: ANKRD17 is on the minus strand). VCF-style: chr4-73092252-C-A. GRCh37 (hg19) VCF-style: chr4-73957969-C-A.
Other names: c.5037G>T, p.Leu1679Phe (NM_001286771.3); c.5373G>T, p.Leu1791Phe (NM_015574.2); c.4623G>T, p.Leu1541Phe (NM_198889.3); short protein forms L1541F, L1679F, L1791F, L1792F.
Identifiers: ClinVar variation 3774779 (VCV003774779.1).